The following is an entry in ClinVar:

ClinVar aggregate classification (germline): Uncertain significance (1 of 4 stars; one submission).

Conditions:
Autosomal recessive early-onset Parkinson disease 6 (PARK6). Also called: PINK1-Related Parkinson Disease; PARKINSON DISEASE 6, MODIFIER OF; PINK1 Type of Young-Onset Parkinson Disease; PARKINSON DISEASE 6, EARLY-ONSET. Identifiers: Orphanet 2828, MedGen C1853833, MONDO:0011613, OMIM 605909.

Allele frequency attached by ClinVar (database versions not stated): ESP Exome Variant Server 0.00008.
gnomAD v4.1: 15 of 1,613,816 alleles (0.00093%); highest among the groups gnomAD compares: African/African-American, 0.019%; no homozygotes.

Submission:

Labcorp Genetics (formerly Invitae), Labcorp
Classification: Uncertain significance for Autosomal recessive early-onset Parkinson disease 6. Last evaluated: 2022-07-16. Review status: criteria provided, single submitter. Criteria: Invitae Variant Classification Sherloc (09022015). Collection method: clinical testing. Allele origin: germline.
Comment: Variants that disrupt the consensus splice site are a relatively common cause of aberrant splicing (PMID: 17576681, 9536098). Algorithms developed to predict the effect of sequence changes on RNA splicing suggest that this variant may disrupt the consensus splice site. In summary, the available evidence is currently insufficient to determine the role of this variant in disease. Therefore, it has been classified as a Variant of Uncertain Significance. This variant has not been reported in the literature in individuals affected with PINK1-related conditions. This sequence change falls in intron 1 of the PINK1 gene. It does not directly change the encoded amino acid sequence of the PINK1 protein. It affects a nucleotide within the consensus splice site. This variant is present in population databases (rs371971165, gnomAD 0.007%).

Literature cited by the submitters: PubMed 17576681; PubMed 9536098.

NM_032409.3(PINK1):c.388-3C>A

Gene: PINK1 (PTEN induced kinase 1; plus strand). Cytogenetic location: 1p36.12.
Variant type: single nucleotide variant.
Coding change: c.388-3C>A on transcript NM_032409.3 (MANE Select); 3 bases into the intron before coding-DNA position 388, C replaced by A.
Molecular consequence: intron variant.
Genome position (GRCh38, 1-based): chr1:20,637,839, C>A. VCF-style: chr1-20637839-C-A. GRCh37 (hg19) VCF-style: chr1-20964332-C-A.
Identifiers: ClinVar variation 2161606 (VCV002161606.4), dbSNP rs371971165, ClinGen allele CA660412.